The following is an entry in ClinVar:

ClinVar aggregate classification (germline): Conflicting classifications of pathogenicity. Review status: criteria provided, conflicting classifications (1 of 4 stars). 3 submissions from 3 submitters: Uncertain significance (2); Likely benign (1). Last evaluated 2025-08-29.

Conditions:
Hereditary cancer-predisposing syndrome. Also called: Hereditary Cancer Syndrome; Hereditary neoplastic syndrome; Neoplastic Syndromes, Hereditary; Tumor predisposition. Identifiers: Orphanet 140162, MedGen C0027672, MeSH D009386, MONDO:0015356.
POLD1-related polyposis and colorectal cancer syndrome (CRCS10). Also called: Colorectal cancer, susceptibility to, 10; Colorectal cancer 10; COLORECTAL CANCER, SUSCEPTIBILITY TO, ON CHROMOSOME 19q. Identifiers: Orphanet 220460, MedGen C2675481, MONDO:0012953, OMIM 612591.

Allele frequency attached by ClinVar (database versions not stated): ExAC 0.00001; gnomAD exomes 0.00001.
gnomAD v4.1: 3 of 1,594,664 alleles (0.00019%); highest among the groups gnomAD compares: Non-Finnish European, 0.00026%; no homozygotes.

Submissions (3):

Ambry Genetics
Classification: Uncertain significance for Hereditary cancer-predisposing syndrome. Last evaluated: 2025-08-29. Review status: criteria provided, single submitter. Criteria: Ambry Variant Classification Scheme 2023. Collection method: clinical testing. Allele origin: germline.
Comment: The c.2388+3G>A intronic variant results from a G to A substitution 3 nucleotides after coding exon 18 in the POLD1 gene. This nucleotide position is poorly conserved in available vertebrate species. In silico splice site analysis predicts that this alteration will not have any significant effect on splicing. Based on the available evidence, the clinical significance of this variant remains unclear.

Labcorp Genetics (formerly Invitae), Labcorp
Classification: Likely benign for POLD1-related polyposis and colorectal cancer syndrome. Last evaluated: 2024-10-28. Review status: criteria provided, single submitter. Criteria: Invitae Variant Classification Sherloc (09022015). Collection method: clinical testing. Allele origin: germline.

Genetic Services Laboratory, University of Chicago
Classification: Uncertain significance. Last evaluated: 2018-04-03. Review status: criteria provided, single submitter. Criteria: ACMG Guidelines, 2015. Collection method: clinical testing. Allele origin: germline. Affected: no.

NM_002691.4(POLD1):c.2388+3G>A

Gene: POLD1 (DNA polymerase delta 1, catalytic subunit; plus strand). Cytogenetic location: 19q13.33.
Variant type: single nucleotide variant.
Coding change: c.2388+3G>A on transcript NM_002691.4 (MANE Select); 3 bases into the intron after coding-DNA position 2388, G replaced by A.
Molecular consequence: intron variant.
Genome position (GRCh38, 1-based): chr19:50,413,882, G>A. VCF-style: chr19-50413882-G-A. GRCh37 (hg19) VCF-style: chr19-50917139-G-A.
Other names: c.2388+3G>A (NM_001256849.1); c.2466+3G>A (NM_001308632.1).
Identifiers: ClinVar variation 821192 (VCV000821192.16), dbSNP rs765678563, ClinGen allele CA9596497.